The following is an entry in ClinVar:

NM_198578.4(LRRK2):c.1465A>G (p.Thr489Ala)

Gene: LRRK2 (leucine rich repeat kinase 2; plus strand). Cytogenetic location: 12q12.
Variant type: single nucleotide variant.
Coding change: c.1465A>G on transcript NM_198578.4 (MANE Select); coding-DNA position 1465, A replaced by G.
Protein change: p.Thr489Ala; replaces threonine 489 with alanine.
Molecular consequence: missense variant.
Genome position (GRCh38, 1-based): chr12:40,259,526, A>G. VCF-style: chr12-40259526-A-G. GRCh37 (hg19) VCF-style: chr12-40653328-A-G.
Other names: short protein forms T489A.
Identifiers: ClinVar variation 1773233 (VCV001773233.3), dbSNP rs2499550333, ClinGen allele CA384411412.
Genomic context (GRCh38, chr12:40,259,526, plus strand): 5'-TTTTATATCCCCAGCAACACTTCCCTGGATATAATGGCAGCAGTGGTCCCCAAAATACTA[A>G]CAGTTATGAAACGTCATGAGACATCATTACCAGTGCAGCTGGAGGCGCTTCGAGCTATTT-3'
Protein context (NP_940980.4, residues 479-499): IMAAVVPKIL[Thr489Ala]VMKRHETSLP

ClinVar aggregate classification (germline): Uncertain significance (1 of 4 stars; one submission).

Conditions:
Inborn genetic diseases. Identifiers: MedGen C0950123, MeSH D030342.

Submission:

Ambry Genetics
Classification: Uncertain significance for Inborn genetic diseases. Last evaluated: 2024-06-21. Review status: criteria provided, single submitter. Criteria: Ambry Variant Classification Scheme 2023. Collection method: clinical testing. Allele origin: germline.
Comment: The p.T489A variant (also known as c.1465A>G), located in coding exon 13 of the LRRK2 gene, results from an A to G substitution at nucleotide position 1465. The threonine at codon 489 is replaced by alanine, an amino acid with similar properties. This amino acid position is conserved. In addition, this alteration is predicted to be tolerated by in silico analysis. Since supporting evidence is limited at this time, the clinical significance of this alteration remains unclear.